The following is an entry in ClinVar:

NM_006915.3(RP2):c.57C>G (p.Asn19Lys)

Genes: RP2 (RP2 activator of ARL3 GTPase; plus strand), LOC130068202 (ATAC-STARR-seq lymphoblastoid active region 29577; plus strand). Cytogenetic location: Xp11.3.
Variant type: single nucleotide variant.
Coding change: c.57C>G on transcript NM_006915.3 (MANE Select); coding-DNA position 57, C replaced by G.
Protein change: p.Asn19Lys; replaces asparagine 19 with lysine.
Molecular consequence: missense variant.
Genome position (GRCh38, 1-based): chrX:46,837,157, C>G. VCF-style: chrX-46837157-C-G. GRCh37 (hg19) VCF-style: chrX-46696592-C-G.
Other names: short protein forms N19K.
Identifiers: ClinVar variation 1038356 (VCV001038356.10), dbSNP rs1924523153, ClinGen allele CA413038256.

ClinVar aggregate classification (germline): Uncertain significance (1 of 4 stars; one submission).

Allele frequency attached by ClinVar (database versions not stated): gnomAD exomes 0.00001.
gnomAD v4.1: 2 of 1,170,976 alleles (0.00017%); highest among the groups gnomAD compares: Non-Finnish European, 0.00023%; no homozygotes.

Submission:

Labcorp Genetics (formerly Invitae), Labcorp
Classification: Uncertain significance. Last evaluated: 2020-02-02. Review status: criteria provided, single submitter. Criteria: Invitae Variant Classification Sherloc (09022015). Collection method: clinical testing. Allele origin: germline.
Comment: In summary, the available evidence is currently insufficient to determine the role of this variant in disease. Therefore, it has been classified as a Variant of Uncertain Significance. Algorithms developed to predict the effect of missense changes on protein structure and function (SIFT, PolyPhen-2, Align-GVGD) all suggest that this variant is likely to be tolerated, but these predictions have not been confirmed by published functional studies and their clinical significance is uncertain. This variant has not been reported in the literature in individuals with RP2-related conditions. This variant is not present in population databases (ExAC no frequency). This sequence change replaces asparagine with lysine at codon 19 of the RP2 protein (p.Asn19Lys). The asparagine residue is weakly conserved and there is a moderate physicochemical difference between asparagine and lysine.